The following is an entry in ClinVar:

NM_138694.4(PKHD1):c.3858G>C (p.Leu1286Phe)

Gene: PKHD1 (PKHD1 ciliary IPT domain containing fibrocystin/polyductin; minus strand). Cytogenetic location: 6p12.2.
Variant type: single nucleotide variant.
Coding change: c.3858G>C on transcript NM_138694.4 (MANE Select); coding-DNA position 3858, G replaced by C.
Protein change: p.Leu1286Phe; replaces leucine 1286 with phenylalanine.
Molecular consequence: missense variant.
Genome position (GRCh38, 1-based): chr6:52,025,952, C>G on the plus strand (G>C on the coding strand, the complement: PKHD1 is on the minus strand). VCF-style: chr6-52025952-C-G. GRCh37 (hg19) VCF-style: chr6-51890750-C-G.
Other names: c.3858G>C (NM_138694.3); c.3858G>C, p.Leu1286Phe (NM_170724.3); short protein forms L1286F.
Identifiers: ClinVar variation 3593936 (VCV003593936.2).

ClinVar aggregate classification (germline): Uncertain significance. Review status: criteria provided, multiple submitters, no conflicts (2 of 4 stars). 2 submissions from 2 submitters: Uncertain significance (2). Last evaluated 2024-12-18.

Conditions:
Polycystic kidney disease 4 (PKD4). Also called: Autosomal Recessive Polycystic Kidney Disease – PKHD1; PKD3; POLYCYSTIC KIDNEY AND HEPATIC DISEASE 1; POLYCYSTIC KIDNEY DISEASE, INFANTILE, TYPE I; POLYCYSTIC KIDNEY DISEASE 4 WITH OR WITHOUT POLYCYSTIC LIVER DISEASE. Identifiers: MedGen C4540575, MONDO:0033004, OMIM 263200.

Submissions (2):

GeneDx
Classification: Uncertain significance. Last evaluated: 2024-12-18. Review status: criteria provided, single submitter. Criteria: GeneDx Variant Classification Process June 2021. Collection method: clinical testing. Allele origin: germline. Affected: yes.
Comment: Not observed at significant frequency in large population cohorts (gnomAD); In silico analysis indicates that this missense variant does not alter protein structure/function; Has not been previously published as pathogenic or benign to our knowledge

Fulgent Genetics
Classification: Uncertain significance for Polycystic kidney disease 4. Last evaluated: 2024-05-12. Review status: criteria provided, single submitter. Criteria: ACMG Guidelines, 2015. Collection method: clinical testing. Allele origin: germline.